The following is an entry in ClinVar:

NM_005633.4(SOS1):c.3658G>A (p.Val1220Met)

Gene: SOS1 (SOS Ras/Rac guanine nucleotide exchange factor 1; minus strand). Cytogenetic location: 2p22.1.
Variant type: single nucleotide variant.
Coding change: c.3658G>A on transcript NM_005633.4 (MANE Select); coding-DNA position 3658, G replaced by A.
Protein change: p.Val1220Met; replaces valine 1220 with methionine.
Molecular consequence: missense variant.
Genome position (GRCh38, 1-based): chr2:38,986,168, C>T on the plus strand (G>A on the coding strand, the complement: SOS1 is on the minus strand). VCF-style: chr2-38986168-C-T. GRCh37 (hg19) VCF-style: chr2-39213309-C-T.
Other names: NM_005633.3(SOS1):c.3658G>A; c.3637G>A, p.Val1213Met (NM_001382394.1); c.3613G>A, p.Val1205Met (NM_001382395.1); short protein forms V1220M, V1205M, V1213M.
Identifiers: ClinVar variation 448938 (VCV000448938.17), dbSNP rs776814547, ClinGen allele CA1624132.

ClinVar aggregate classification (germline): Likely benign. Review status: reviewed by expert panel (3 of 4 stars). 7 submissions from 6 submitters: Likely benign (1). 6 of the submissions do not count toward it. Last evaluated 2017-04-18.

Conditions:
Cardiovascular phenotype. Identifiers: MedGen CN230736.
RASopathy. Also called: Noonan spectrum disorder; rasopathies. Identifiers: Orphanet 536391, MedGen C5555857, MONDO:0021060.
Fibromatosis, gingival, 1 (GINGF1). Identifiers: Orphanet 2024, MedGen C4551558, MONDO:0007609, OMIM 135300.
Noonan syndrome 4 (NS4). Also called: NOONAN SYNDROME WITH PIGMENTED VILLONODULAR SYNOVITIS; SOS1-Related Noonan Syndrome. Identifiers: Orphanet 648, MedGen C1853120, MONDO:0012547, OMIM 610733.

Allele frequency attached by ClinVar (database versions not stated): gnomAD 0.00003 and below 0.00001; ExAC 0.00008; gnomAD exomes 0.00011; TOPMed 0.00001.

Submissions (7):

ClinGen RASopathy Variant Curation Expert Panel
Classification: Likely benign for Noonan syndrome and Noonan-related syndrome. Last evaluated: 2017-04-18. Review status: reviewed by expert panel. Criteria: ClinGen RASopathy ACMG Specifications v1. Collection method: curation. Allele origin: germline. Inheritance: Autosomal dominant inheritance.
Comment: The filtering allele frequency of the c.3658G>A (p.Val1220Met) variant in the SOS1 gene is 0.0328% (10/16512) of South Asian chromosomes by the Exome Aggregation Consortium, which is a high enough frequency to be classified as likely benign based on thresholds defined by the ClinGen RASopathy Expert Panel (BS1; PMID:29493581)

Labcorp Genetics (formerly Invitae), Labcorp
Classification: Likely benign for RASopathy. Last evaluated: 2025-12-14. Review status: criteria provided, single submitter. Criteria: Invitae Variant Classification Sherloc (09022015). Collection method: clinical testing. Allele origin: germline. Not counted in ClinVar's aggregate classification.

Women's Health and Genetics/Laboratory Corporation of America, LabCorp
Classification: Likely benign. Last evaluated: 2023-10-02. Review status: criteria provided, single submitter. Criteria: LabCorp Variant Classification Summary - May 2015. Collection method: clinical testing. Allele origin: germline. Not counted in ClinVar's aggregate classification.
Comment: Variant summary: SOS1 c.3658G>A (p.Val1220Met) results in a conservative amino acid change in the encoded protein sequence. Three of five in-silico tools predict a benign effect of the variant on protein function. The variant allele was found at a frequency of 0.00011 in 251206 control chromosomes, predominantly at a frequency of 0.00085 within the South Asian subpopulation in the gnomAD database. The observed variant frequency within South Asian control individuals in the gnomAD database is approximately 28.3-fold of the estimated maximal expected allele frequency for a pathogenic variant in SOS1 causing Noonan Syndrome phenotype (3e-05), strongly suggesting that the variant is a benign polymorphism found primarily in populations of South Asian origin. To our knowledge, no occurrence of c.3658G>A in individuals affected with Noonan Syndrome and no experimental evidence demonstrating its impact on protein function have been reported. Five submitters have cited clinical-significance assessments for this variant to ClinVar after 2014. Based on the evidence outlined above, the variant was classified as likely benign.

Blueprint Genetics
Classification: Likely benign. Last evaluated: 2022-01-28. Review status: criteria provided, single submitter. Criteria: ACMG Guidelines, 2015. Collection method: clinical testing. Allele origin: germline. Not counted in ClinVar's aggregate classification.

Ambry Genetics
Classification: Likely benign for Cardiovascular phenotype. Last evaluated: 2021-09-21. Review status: criteria provided, single submitter. Criteria: Ambry Variant Classification Scheme 2023. Collection method: clinical testing. Allele origin: germline. Not counted in ClinVar's aggregate classification.

Illumina Laboratory Services, Illumina
Classification: Benign for Fibromatosis, gingival, 1. Last evaluated: 2018-01-13. Review status: criteria provided, single submitter. Criteria: ICSL Variant Classification Criteria 13 December 2019. Collection method: clinical testing. Allele origin: germline. Not counted in ClinVar's aggregate classification.
Comment: This variant was observed in the ICSL laboratory as part of a predisposition screen in an ostensibly healthy population. It had not been previously curated by ICSL or reported in the Human Gene Mutation Database (HGMD: prior to June 1st, 2018), and was therefore a candidate for classification through an automated scoring system. Utilizing variant allele frequency, disease prevalence and penetrance estimates, and inheritance mode, an automated score was calculated to assess if this variant is too frequent to cause the disease. Based on the score and internal cut-off values, a variant classified as benign is not then subjected to further curation. The score for this variant resulted in a classification of benign for this disease.

Illumina Laboratory Services, Illumina
Classification: Uncertain significance for Noonan syndrome 4. Last evaluated: 2018-01-13. Review status: criteria provided, single submitter. Criteria: ICSL Variant Classification Criteria 13 December 2019. Collection method: clinical testing. Allele origin: germline. Not counted in ClinVar's aggregate classification.